The following is an entry in ClinVar:

ClinVar aggregate classification (germline): Uncertain significance. Review status: criteria provided, multiple submitters, no conflicts (2 of 4 stars). 2 submissions from 2 submitters: Uncertain significance (2). Last evaluated 2025-05-21.

Conditions:
PCNT-related disorder. Also called: PCNT-related condition.

Allele frequency attached by ClinVar (database versions not stated): ExAC 0.00004; gnomAD exomes 0.00004 and 0.00005; 1000 Genomes Project 30x 0.00016; 1000 Genomes Project 0.00020; ESP Exome Variant Server 0.00023.
gnomAD v4.1: 76 of 1,614,218 alleles (0.0047%); highest among the groups gnomAD compares: African/African-American, 0.016%; no homozygotes.

Submissions (2):

PreventionGenetics, part of Exact Sciences
Classification: Uncertain significance for PCNT-related condition. Last evaluated: 2025-05-21. Review status: criteria provided, single submitter. Criteria: ACMG Guidelines, 2015. Collection method: clinical testing. Allele origin: germline.
Comment: The PCNT c.622C>T variant is predicted to result in the amino acid substitution p.Arg208Cys. To our knowledge, this variant has not been reported in the literature. This variant is reported in 0.016% of alleles in individuals of African descent in gnomAD. At this time, the clinical significance of this variant is uncertain due to the absence of conclusive functional and genetic evidence.

Labcorp Genetics (formerly Invitae), Labcorp
Classification: Uncertain significance. Last evaluated: 2022-08-10. Review status: criteria provided, single submitter. Criteria: Invitae Variant Classification Sherloc (09022015). Collection method: clinical testing. Allele origin: germline.
Comment: This sequence change replaces arginine, which is basic and polar, with cysteine, which is neutral and slightly polar, at codon 208 of the PCNT protein (p.Arg208Cys). This variant is present in population databases (rs147670433, gnomAD 0.02%). This variant has not been reported in the literature in individuals affected with PCNT-related conditions. ClinVar contains an entry for this variant (Variation ID: 1386956). Algorithms developed to predict the effect of missense changes on protein structure and function output the following: SIFT: "Tolerated"; PolyPhen-2: "Benign"; Align-GVGD: "Class C0". The cysteine amino acid residue is found in multiple mammalian species, which suggests that this missense change does not adversely affect protein function. In summary, the available evidence is currently insufficient to determine the role of this variant in disease. Therefore, it has been classified as a Variant of Uncertain Significance.

NM_006031.6(PCNT):c.622C>T (p.Arg208Cys)

Gene: PCNT (pericentrin; plus strand). Cytogenetic location: 21q22.3.
Variant type: single nucleotide variant.
Coding change: c.622C>T on transcript NM_006031.6 (MANE Select); coding-DNA position 622, C replaced by T.
Protein change: p.Arg208Cys; replaces arginine 208 with cysteine.
Molecular consequence: missense variant.
Genome position (GRCh38, 1-based): chr21:46,334,751, C>T. VCF-style: chr21-46334751-C-T. GRCh37 (hg19) VCF-style: chr21-47754665-C-T.
Other names: c.268C>T, p.Arg90Cys (NM_001315529.2); c.622C>T (NM_006031.5); short protein forms R208C, R90C.
Identifiers: ClinVar variation 1386956 (VCV001386956.6), dbSNP rs147670433, ClinGen allele CA10078316.
Genomic context (GRCh38, chr21:46,334,751, plus strand): 5'-AGTGACCACACACCAGAACAGCGTGGGATCTTCACAATCAGTGACCACCCAGCAGAACAG[C>T]GTGGGATGTTCACAAAGGTATTCTTTAAGTTCTCTGTTAAGGTGTATTCTTTGTCAAAAG-3'
Protein context (NP_006022.3, residues 198-218): FTISDHPAEQ[Arg208Cys]GMFTKECEQE